The following is an entry in ClinVar:

ClinVar aggregate classification (germline): Likely benign. Review status: criteria provided, multiple submitters, no conflicts (2 of 4 stars). 4 submissions from 4 submitters: Likely benign (3). 1 of the submissions does not count toward it. Last evaluated 2025-11-27.

Conditions:
ALK-related disorder. Also called: ALK-related condition.
Hereditary cancer-predisposing syndrome. Also called: Neoplastic Syndromes, Hereditary; Tumor predisposition; Hereditary Cancer Syndrome; Hereditary neoplastic syndrome. Identifiers: Orphanet 140162, MedGen C0027672, MeSH D009386, MONDO:0015356.
Neuroblastoma, susceptibility to, 3. Also called: ALK-Related Neuroblastic Tumor Susceptibility. Identifiers: Orphanet 635, MedGen C2751681, MONDO:0013083, OMIM 613014.

Allele frequency attached by ClinVar (database versions not stated): gnomAD 0.00001; gnomAD exomes 0.00001 and 0.00002; TOPMed 0.00001; ExAC 0.00002; ESP Exome Variant Server 0.00008.
gnomAD v4.1: 13 of 1,614,014 alleles (0.00081%); highest among the groups gnomAD compares: East Asian, 0.013%; no homozygotes.

Submissions (4):

Labcorp Genetics (formerly Invitae), Labcorp
Classification: Likely benign for Neuroblastoma, susceptibility to, 3. Last evaluated: 2025-11-27. Review status: criteria provided, single submitter. Criteria: Invitae Variant Classification Sherloc (09022015). Collection method: clinical testing. Allele origin: germline.

Ambry Genetics
Classification: Likely benign for Hereditary cancer-predisposing syndrome. Last evaluated: 2022-02-13. Review status: criteria provided, single submitter. Criteria: Ambry Variant Classification Scheme 2023. Collection method: clinical testing. Allele origin: germline.

Blueprint Genetics
Classification: Likely benign. Last evaluated: 2021-06-22. Review status: criteria provided, single submitter. Criteria: ACMG Guidelines, 2015. Collection method: clinical testing. Allele origin: germline.

PreventionGenetics, part of Exact Sciences
Classification: Likely benign for ALK-related condition. Last evaluated: 2022-10-18. Review status: no assertion criteria provided. Collection method: clinical testing. Allele origin: germline. Not counted in ClinVar's aggregate classification.
Comment: This variant is classified as likely benign based on ACMG/AMP sequence variant interpretation guidelines (Richards et al. 2015 PMID: 25741868, with internal and published modifications).

NM_004304.5(ALK):c.4683G>A (p.Ser1561=)

Gene: ALK (ALK receptor tyrosine kinase; minus strand). Cytogenetic location: 2p23.2.
Variant type: single nucleotide variant.
Coding change: c.4683G>A on transcript NM_004304.5 (MANE Select); coding-DNA position 4683, G replaced by A.
Protein change: p.Ser1561=; no amino-acid change (serine 1561 retained).
Molecular consequence: synonymous variant.
Genome position (GRCh38, 1-based): chr2:29,193,404, C>T on the plus strand (G>A on the coding strand, the complement: ALK is on the minus strand). VCF-style: chr2-29193404-C-T. GRCh37 (hg19) VCF-style: chr2-29416270-C-T.
Other names: c.1479G>A, p.Ser493= (NM_001353765.2).
Identifiers: ClinVar variation 538278 (VCV000538278.17), dbSNP rs150487874, ClinGen allele CA1593514.